The following is an entry in ClinVar:

ClinVar aggregate classification (germline): Uncertain significance. Review status: criteria provided, multiple submitters, no conflicts (2 of 4 stars). 2 submissions from 2 submitters: Uncertain significance (2). Last evaluated 2023-05-22.

Allele frequency attached by ClinVar (database versions not stated): gnomAD 0.00001.
gnomAD v4.1: 5 of 1,606,966 alleles (0.00031%); highest among the groups gnomAD compares: Admixed American, 0.0067%; no homozygotes.

Submissions (2):

GeneDx
Classification: Uncertain significance. Last evaluated: 2023-05-22. Review status: criteria provided, single submitter. Criteria: GeneDx Variant Classification Process June 2021. Collection method: clinical testing. Allele origin: germline. Affected: yes.
Comment: In silico analysis supports that this missense variant does not alter protein structure/function; Has not been previously published as pathogenic or benign to our knowledge

Labcorp Genetics (formerly Invitae), Labcorp
Classification: Uncertain significance. Last evaluated: 2022-10-24. Review status: criteria provided, single submitter. Criteria: Invitae Variant Classification Sherloc (09022015). Collection method: clinical testing. Allele origin: germline.
Comment: This sequence change replaces valine, which is neutral and non-polar, with glycine, which is neutral and non-polar, at codon 988 of the MYO15A protein (p.Val988Gly). This variant is present in population databases (no rsID available, gnomAD 0.01%). This variant has not been reported in the literature in individuals affected with MYO15A-related conditions. Advanced modeling of protein sequence and biophysical properties (such as structural, functional, and spatial information, amino acid conservation, physicochemical variation, residue mobility, and thermodynamic stability) performed at Invitae indicates that this missense variant is not expected to disrupt MYO15A protein function. In summary, the available evidence is currently insufficient to determine the role of this variant in disease. Therefore, it has been classified as a Variant of Uncertain Significance.

NM_016239.4(MYO15A):c.2963T>G (p.Val988Gly)

Gene: MYO15A (myosin XVA; plus strand). Cytogenetic location: 17p11.2.
Variant type: single nucleotide variant.
Coding change: c.2963T>G on transcript NM_016239.4 (MANE Select); coding-DNA position 2963, T replaced by G.
Protein change: p.Val988Gly; replaces valine 988 with glycine.
Molecular consequence: missense variant.
Genome position (GRCh38, 1-based): chr17:18,121,763, T>G. VCF-style: chr17-18121763-T-G. GRCh37 (hg19) VCF-style: chr17-18025077-T-G.
Other names: c.2963T>G (NM_016239.3); short protein forms V988G.
Identifiers: ClinVar variation 1974770 (VCV001974770.3), dbSNP rs1298273709, ClinGen allele CA398585946.